The following is an entry in ClinVar:

NM_006231.4(POLE):c.1450A>C (p.Ile484Leu)

Gene: POLE (DNA polymerase epsilon, catalytic subunit; minus strand). Cytogenetic location: 12q24.33.
Variant type: single nucleotide variant.
Coding change: c.1450A>C on transcript NM_006231.4 (MANE Select); coding-DNA position 1450, A replaced by C.
Protein change: p.Ile484Leu; replaces isoleucine 484 with leucine.
Molecular consequence: missense variant.
Genome position (GRCh38, 1-based): chr12:132,673,187, T>G on the plus strand (A>C on the coding strand, the complement: POLE is on the minus strand). VCF-style: chr12-132673187-T-G. GRCh37 (hg19) VCF-style: chr12-133249773-T-G.
Other names: short protein forms I484L.
Identifiers: ClinVar variation 2769765 (VCV002769765.3), dbSNP rs1027889796, ClinGen allele CA387358180.

ClinVar aggregate classification (germline): Uncertain significance (1 of 4 stars; one submission).

gnomAD v4.1: 1 of 1,611,270 alleles (0.000062%); highest among the groups gnomAD compares: African/African-American, 0.0013%; no homozygotes.

Submission:

Labcorp Genetics (formerly Invitae), Labcorp
Classification: Uncertain significance. Last evaluated: 2023-10-18. Review status: criteria provided, single submitter. Criteria: Invitae Variant Classification Sherloc (09022015). Collection method: clinical testing. Allele origin: germline.
Comment: This sequence change replaces isoleucine, which is neutral and non-polar, with leucine, which is neutral and non-polar, at codon 484 of the POLE protein (p.Ile484Leu). This variant is not present in population databases (gnomAD no frequency). This variant has not been reported in the literature in individuals affected with POLE-related conditions. Advanced modeling of protein sequence and biophysical properties (such as structural, functional, and spatial information, amino acid conservation, physicochemical variation, residue mobility, and thermodynamic stability) has been performed at Invitae for this missense variant, however the output from this modeling did not meet the statistical confidence thresholds required to predict the impact of this variant on POLE protein function. In summary, the available evidence is currently insufficient to determine the role of this variant in disease. Therefore, it has been classified as a Variant of Uncertain Significance.